The following is an entry in ClinVar:

NM_000051.4(ATM):c.1829A>G (p.Lys610Arg)

Gene: ATM (ATM serine/threonine kinase; plus strand). Cytogenetic location: 11q22.3.
Variant type: single nucleotide variant.
Coding change: c.1829A>G on transcript NM_000051.4 (MANE Select); coding-DNA position 1829, A replaced by G.
Protein change: p.Lys610Arg; replaces lysine 610 with arginine.
Molecular consequence: missense variant.
Genome position (GRCh38, 1-based): chr11:108,252,843, A>G. VCF-style: chr11-108252843-A-G. GRCh37 (hg19) VCF-style: chr11-108123570-A-G.
Other names: c.1829A>G, p.Lys610Arg (NM_001351834.2); short protein forms K610R.
Identifiers: ClinVar variation 453386 (VCV000453386.7), dbSNP rs1555072464, ClinGen allele CA382535784.
Genomic context (GRCh38, chr11:108,252,843, plus strand): 5'-TCTTCTAAGTGAAGCTTTTTGTTTTTCTTTGTAGTAATTTTCCTCATCTTGTACTGGAGA[A>G]AATTCTTGTGAGTCTCACTATGAAAAACTGTAAAGCTGCAATGAATTTTTTCCAAAGCGT-3'
Protein context (NP_000042.3, residues 600-620): HSNFPHLVLE[Lys610Arg]ILVSLTMKNC

ClinVar aggregate classification (germline): Uncertain significance (1 of 4 stars; one submission).

Conditions:
Ataxia-telangiectasia syndrome (AT). Also called: Cerebello-oculocutaneous telangiectasia; Immunodeficiency with ataxia telangiectasia; Ataxia-telangiectasia, complementation group D; AT, COMPLEMENTATION GROUP C; Ataxia-telangiectasia, complementation group E; LOUIS-BAR SYNDROME. Identifiers: Orphanet 100, MedGen C0004135, MONDO:0008840, OMIM 208900.

Submission:

Labcorp Genetics (formerly Invitae), Labcorp
Classification: Uncertain significance for Ataxia-telangiectasia syndrome. Last evaluated: 2017-07-09. Review status: criteria provided, single submitter. Criteria: Invitae Variant Classification Sherloc (09022015). Collection method: clinical testing. Allele origin: germline.
Comment: In summary, the available evidence is currently insufficient to determine the role of this variant in disease. Therefore, it has been classified as a Variant of Uncertain Significance. Algorithms developed to predict the effect of missense changes on protein structure and function (SIFT, PolyPhen-2, Align-GVGD) all suggest that this variant is likely to be tolerated, but these predictions have not been confirmed by published functional studies and their clinical significance is uncertain. This variant has not been reported in the literature in individuals with ATM-related disease. This variant is not present in population databases (ExAC no frequency). This sequence change replaces lysine with arginine at codon 610 of the ATM protein (p.Lys610Arg). The lysine residue is moderately conserved and there is a small physicochemical difference between lysine and arginine.